The following is an entry in ClinVar:

NM_000543.5(SMPD1):c.329A>G (p.Asn110Ser)

Gene: SMPD1 (sphingomyelin phosphodiesterase 1; plus strand). Cytogenetic location: 11p15.4.
Variant type: single nucleotide variant.
Coding change: c.329A>G on transcript NM_000543.5 (MANE Select); coding-DNA position 329, A replaced by G.
Protein change: p.Asn110Ser; replaces asparagine 110 with serine.
Molecular consequence: missense variant. On other transcripts: 5 prime UTR variant (1), non-coding transcript variant (2).
Genome position (GRCh38, 1-based): chr11:6,391,394, A>G. VCF-style: chr11-6391394-A-G. GRCh37 (hg19) VCF-style: chr11-6412624-A-G.
Other names: c.326A>G, p.Asn109Ser (NM_001007593.3); c.329A>G, p.Asn110Ser (NM_001318087.2, NM_001365135.2); c.-633A>G (NM_001318088.2); short protein forms N110S, N109S.
Identifiers: ClinVar variation 879893 (VCV000879893.7), dbSNP rs747223735, ClinGen allele CA5852578.
Genomic context (GRCh38, chr11:6,391,394, plus strand): 5'-GTTCCTCTGCTCTGCCTCTGATTTCTCACCATGCGCTCCTCCCACTGCAGAAGGAACCCA[A>G]TGTGGCTCGCGTGGGCTCCGTGGCCATCAAGCTGTGCAATCTGCTGAAGATAGCACCACC-3'
Protein context (NP_000534.3, residues 100-120): AINLGLKKEP[Asn110Ser]VARVGSVAIK

ClinVar aggregate classification (germline): Conflicting classifications of pathogenicity. Review status: criteria provided, conflicting classifications (1 of 4 stars). 3 submissions from 3 submitters: Uncertain significance (2); Likely benign (1). Last evaluated 2026-01-23.

Conditions:
Niemann-Pick disease, type A. Also called: SPHINGOMYELIN LIPIDOSIS; SPHINGOMYELINASE DEFICIENCY; Infantile Neurovisceral ASMD (Niemann-Pick Disease Type A; NPD-A). Identifiers: Orphanet 77292, MedGen C0268242, MONDO:0009756, OMIM 257200. Disease mechanism: loss of function.
SMPD1-related disorder. Also called: SMPD1-related condition.
Inborn genetic diseases. Identifiers: MedGen C0950123, MeSH D030342.

Allele frequency attached by ClinVar (database versions not stated): gnomAD 0.00002; gnomAD exomes 0.00001; TOPMed 0.00001; ExAC 0.00002.
gnomAD v4.1: 19 of 1,612,448 alleles (0.0012%); highest among the groups gnomAD compares: South Asian, 0.0055%; no homozygotes.

Submissions (3):

PreventionGenetics, part of Exact Sciences
Classification: Uncertain significance for SMPD1-related condition. Last evaluated: 2026-01-23. Review status: criteria provided, single submitter. Criteria: ACMG Guidelines, 2015. Collection method: clinical testing. Allele origin: germline.
Comment: The SMPD1 c.329A>G variant is predicted to result in the amino acid substitution p.Asn110Ser. To our knowledge, this variant has not been reported in the literature. This variant is reported in 0.0050% of alleles in individuals of East Asian descent in gnomAD. At this time, the clinical significance of this variant is uncertain due to the absence of conclusive functional and genetic evidence.

Ambry Genetics
Classification: Likely benign for Inborn genetic diseases. Last evaluated: 2021-08-13. Review status: criteria provided, single submitter. Criteria: Ambry Variant Classification Scheme 2023. Collection method: clinical testing. Allele origin: germline.

Illumina Laboratory Services, Illumina
Classification: Uncertain significance for Niemann-Pick disease, type A. Last evaluated: 2018-01-13. Review status: criteria provided, single submitter. Criteria: ICSL Variant Classification Criteria 13 December 2019. Collection method: clinical testing. Allele origin: germline.